The following is an entry in ClinVar:

ClinVar aggregate classification (germline): Benign. Review status: criteria provided, single submitter (1 of 4 stars). 2 submissions from 2 submitters: Benign (1). 1 of the submissions does not count toward it. Last evaluated 2026-01-24.

Conditions:
FREM2-related disorder. Also called: FREM2-related condition.

Allele frequency attached by ClinVar (database versions not stated): TOPMed below 0.00001; 1000 Genomes Project 0.00080; 1000 Genomes Project 30x 0.00062.
gnomAD v4.1: 295 of 1,614,144 alleles (0.018%); highest among the groups gnomAD compares: South Asian, 0.3%; 4 homozygotes.

Submissions (2):

Labcorp Genetics (formerly Invitae), Labcorp
Classification: Benign. Last evaluated: 2026-01-24. Review status: criteria provided, single submitter. Criteria: Invitae Variant Classification Sherloc (09022015). Collection method: clinical testing. Allele origin: germline.

PreventionGenetics, part of Exact Sciences
Classification: Likely benign for FREM2-related condition. Last evaluated: 2023-10-13. Review status: no assertion criteria provided. Collection method: clinical testing. Allele origin: germline. Not counted in ClinVar's aggregate classification.
Comment: This variant is classified as likely benign based on ACMG/AMP sequence variant interpretation guidelines (Richards et al. 2015 PMID: 25741868, with internal and published modifications).

NM_207361.6(FREM2):c.1122T>A (p.Asp374Glu)

Gene: FREM2 (FRAS1 related extracellular matrix 2; plus strand). Cytogenetic location: 13q13.3.
Variant type: single nucleotide variant.
Coding change: c.1122T>A on transcript NM_207361.6 (MANE Select); coding-DNA position 1122, T replaced by A.
Protein change: p.Asp374Glu; replaces aspartic acid 374 with glutamic acid.
Molecular consequence: missense variant.
Genome position (GRCh38, 1-based): chr13:38,688,466, T>A. VCF-style: chr13-38688466-T-A. GRCh37 (hg19) VCF-style: chr13-39262603-T-A.
Other names: c.1122T>A (NM_207361.5); short protein forms D374E.
Identifiers: ClinVar variation 2905814 (VCV002905814.5), dbSNP rs578249359, ClinGen allele CA6954342.